The following is an entry in ClinVar:

NM_001242896.3(DEPDC5):c.3220A>G (p.Ser1074Gly)

Gene: DEPDC5 (DEP domain containing 5, GATOR1 subcomplex subunit; plus strand). Cytogenetic location: 22q12.3.
Variant type: single nucleotide variant.
Coding change: c.3220A>G on transcript NM_001242896.3 (MANE Select); coding-DNA position 3220, A replaced by G.
Protein change: p.Ser1074Gly; replaces serine 1074 with glycine.
Molecular consequence: missense variant. On other transcripts: non-coding transcript variant (5).
Genome position (GRCh38, 1-based): chr22:31,857,509, A>G. VCF-style: chr22-31857509-A-G. GRCh37 (hg19) VCF-style: chr22-32253495-A-G.
Other names: c.3193A>G, p.Ser1065Gly (NM_001136029.4, NM_001369903.1, NM_014662.6); c.2986A>G, p.Ser996Gly (NM_001242897.2, NM_001363854.2, NM_001364319.2); c.3220A>G, p.Ser1074Gly (NM_001363852.2, NM_001364318.2, NM_001364320.2); c.3136A>G, p.Ser1046Gly (NM_001369901.1, NM_001369902.1); short protein forms S1074G, S996G, S1046G, S1065G.
Identifiers: ClinVar variation 1046951 (VCV001046951.8), dbSNP rs778292246, ClinGen allele CA323353526.

ClinVar aggregate classification (germline): Uncertain significance (1 of 4 stars; one submission).

Conditions:
Familial focal epilepsy with variable foci (FPEVF). Identifiers: Orphanet 98820, MedGen C1858477, MONDO:0020310.

Allele frequency attached by ClinVar (database versions not stated): gnomAD 0.00001; TOPMed 0.00002.
gnomAD v4.1: 2 of 1,612,526 alleles (0.00012%); no homozygotes.

Submission:

Labcorp Genetics (formerly Invitae), Labcorp
Classification: Uncertain significance for Familial focal epilepsy with variable foci. Last evaluated: 2023-03-17. Review status: criteria provided, single submitter. Criteria: Invitae Variant Classification Sherloc (09022015). Collection method: clinical testing. Allele origin: germline.
Comment: This sequence change replaces serine, which is neutral and polar, with glycine, which is neutral and non-polar, at codon 1074 of the DEPDC5 protein (p.Ser1074Gly). This variant is not present in population databases (gnomAD no frequency). This variant has not been reported in the literature in individuals affected with DEPDC5-related conditions. ClinVar contains an entry for this variant (Variation ID: 1046951). Algorithms developed to predict the effect of missense changes on protein structure and function output the following: SIFT: "Not Available"; PolyPhen-2: "Not Available"; Align-GVGD: "Not Available". The glycine amino acid residue is found in multiple mammalian species, which suggests that this missense change does not adversely affect protein function. In summary, the available evidence is currently insufficient to determine the role of this variant in disease. Therefore, it has been classified as a Variant of Uncertain Significance.